The following is an entry in ClinVar:

ClinVar aggregate classification (germline): Pathogenic (1 of 4 stars; one submission).

Submission:

Labcorp Genetics (formerly Invitae), Labcorp
Classification: Pathogenic. Last evaluated: 2023-11-15. Review status: criteria provided, single submitter. Criteria: Invitae Variant Classification Sherloc (09022015). Collection method: clinical testing. Allele origin: germline.
Comment: This sequence change creates a premature translational stop signal (p.Gln606*) in the ATP2C1 gene. It is expected to result in an absent or disrupted protein product. Loss-of-function variants in ATP2C1 are known to be pathogenic (PMID: 10615129, 10767338, 11841554). This variant is not present in population databases (gnomAD no frequency). This premature translational stop signal has been observed in individual(s) with Hailey-Hailey disease (PMID: 11841554). Algorithms developed to predict the effect of sequence changes on RNA splicing suggest that this variant may disrupt the consensus splice site. For these reasons, this variant has been classified as Pathogenic.

Literature cited by the submitters: PubMed 10615129; PubMed 10767338; PubMed 11841554.

NM_001378687.1(ATP2C1):c.1816C>T (p.Gln606Ter)

Gene: ATP2C1 (ATPase secretory pathway Ca2+ transporting 1; plus strand). Cytogenetic location: 3q22.1.
Variant type: single nucleotide variant.
Coding change: c.1816C>T on transcript NM_001378687.1 (MANE Select); coding-DNA position 1816, C replaced by T.
Protein change: p.Gln606Ter; replaces glutamine 606 with a stop codon.
Molecular consequence: nonsense.
Genome position (GRCh38, 1-based): chr3:130,980,656, C>T. VCF-style: chr3-130980656-C-T. GRCh37 (hg19) VCF-style: chr3-130699500-C-T.
Other names: c.1816C>T, p.Gln606Ter (NM_001001485.3, NM_001001486.2, NM_001001487.2 and 5 more transcripts); c.1918C>T, p.Gln640Ter (NM_001199180.2, NM_001199181.3, NM_001378511.1); c.1801C>T, p.Gln601Ter (NM_001199182.2); c.1768C>T, p.Gln590Ter (NM_001199183.2, NM_001199184.3, NM_001378514.1); short protein forms Q601*, Q606*, Q590*, Q640*.
Identifiers: ClinVar variation 2734571 (VCV002734571.3), dbSNP rs2531335042, ClinGen allele CA354534696.
Genomic context (GRCh38, chr3:130,980,656, plus strand): 5'-TTGTATTCCAAAACTTCCCAGTCAGTCTCAGGAGAAGAAATAGATGCAATGGATGTTCAG[C>T]AGCTTTCACAAATAGTACCAAAGGTAGGCCTAAACTAAAGCCTTTTGGACTGAAAGGCCT-3'